The following is an entry in ClinVar:

ClinVar aggregate classification (germline): Uncertain significance. Review status: criteria provided, multiple submitters, no conflicts (2 of 4 stars). 4 submissions from 4 submitters: Uncertain significance (3). 1 of the submissions does not count toward it. Last evaluated 2023-06-19.

Conditions:
Glycogen storage disease type III (GSD3). Also called: FORBES DISEASE; Cori disease. Identifiers: Orphanet 366, MedGen C0017922, MONDO:0009291, OMIM 232400.

gnomAD v4.1: 19 of 1,613,558 alleles (0.0012%); highest among the groups gnomAD compares: East Asian, 0.038%; no homozygotes.

Submissions (4):

Baylor Genetics
Classification: Uncertain significance for Glycogen storage disease type III. Last evaluated: 2023-06-19. Review status: criteria provided, single submitter. Criteria: ACMG Guidelines, 2015. Collection method: clinical testing. Allele origin: unknown.

Genome-Nilou Lab
Classification: Uncertain significance for Glycogen storage disease type III. Last evaluated: 2023-04-11. Review status: criteria provided, single submitter. Criteria: ACMG Guidelines, 2015. Collection method: clinical testing. Allele origin: germline. Affected: no.

Labcorp Genetics (formerly Invitae), Labcorp
Classification: Uncertain significance for Glycogen storage disease type III. Last evaluated: 2022-03-23. Review status: criteria provided, single submitter. Criteria: Invitae Variant Classification Sherloc (09022015). Collection method: clinical testing. Allele origin: germline.
Comment: This sequence change replaces arginine, which is basic and polar, with leucine, which is neutral and non-polar, at codon 977 of the AGL protein (p.Arg977Leu). This variant is present in population databases (rs147977213, gnomAD 0.05%). This variant has not been reported in the literature in individuals affected with AGL-related conditions. ClinVar contains an entry for this variant (Variation ID: 966288). Algorithms developed to predict the effect of missense changes on protein structure and function (SIFT, PolyPhen-2, Align-GVGD) all suggest that this variant is likely to be tolerated. In summary, the available evidence is currently insufficient to determine the role of this variant in disease. Therefore, it has been classified as a Variant of Uncertain Significance.

Natera, Inc.
Classification: Uncertain significance for Glycogen storage disease type III. Last evaluated: 2020-08-14. Review status: no assertion criteria provided. Collection method: clinical testing. Allele origin: germline. Not counted in ClinVar's aggregate classification.

NM_000642.3(AGL):c.2930G>T (p.Arg977Leu)

Gene: AGL (amylo-alpha-1,6-glucosidase and 4-alpha-glucanotransferase; plus strand). Cytogenetic location: 1p21.2.
Variant type: single nucleotide variant.
Coding change: c.2930G>T on transcript NM_000642.3 (MANE Select); coding-DNA position 2930, G replaced by T.
Protein change: p.Arg977Leu; replaces arginine 977 with leucine.
Molecular consequence: missense variant.
Genome position (GRCh38, 1-based): chr1:99,891,337, G>T. VCF-style: chr1-99891337-G-T. GRCh37 (hg19) VCF-style: chr1-100356893-G-T.
Other names: c.2930G>T, p.Arg977Leu (NM_000028.3, NM_000643.3, NM_000644.3 and 1 more transcripts); c.2882G>T, p.Arg961Leu (NM_000646.3); c.2909G>T, p.Arg970Leu (NM_001425326.1); c.2729G>T, p.Arg910Leu (NM_001425327.1); c.2726G>T, p.Arg909Leu (NM_001425328.1); c.2591G>T, p.Arg864Leu (NM_001425329.1); c.2552G>T, p.Arg851Leu (NM_001425332.1); short protein forms R961L, R977L, R851L, R864L, R909L, R910L, R970L.
Identifiers: ClinVar variation 966288 (VCV000966288.5), dbSNP rs147977213, ClinGen allele CA966932.